The following is an entry in ClinVar:

NM_001458.5(FLNC):c.7338_7339del (p.Pro2447fs)

Genes: FLNC-AS1 (FLNC antisense RNA 1; minus strand), FLNC (filamin C; plus strand). Cytogenetic location: 7q32.1.
Variant type: Microsatellite.
Coding change: c.7338_7339del on transcript NM_001458.5 (MANE Select); coding-DNA positions 7338 to 7339, 2 bases deleted (AC; older notation c.7338_7339delAC).
Protein change: p.Pro2447fs; shifts the reading frame from proline 2447.
Molecular consequence: frameshift variant.
Genome position (GRCh38, 1-based): chr7:128,856,604-128,856,605, AC deleted; deleting any 2 consecutive bases within chr7:128,856,599-128,856,605 gives the same sequence; the c. name uses the placement nearest the transcript's 3' end. VCF-style (leftmost placement, unchanged base first): chr7-128856598-GCA-G. GRCh37 (hg19) VCF-style: chr7-128496652-GCA-G.
Other names: c.7338_7339delAC (NM_001458.4); c.7239_7240del, p.Pro2414fs (NM_001127487.2); short protein forms P2447fs, P2414fs.
Identifiers: ClinVar variation 659634 (VCV000659634.7), dbSNP rs1585171628, ClinGen allele CA915945516.
Genomic context (GRCh38, chr7:128,856,598, plus strand): 5'-CCAGCCAGCGTCCTTTGCCGTGCAGCTGAACGGTGCCCGGGGCGTGATTGATGCCCGGGT[GCA>G]CACACCCTCGGGGGCTGTGGAGGAGTGCTACGTCTCTGAGCTGGACAGTGGTGAGCTGGC-3'

ClinVar aggregate classification (germline): Pathogenic (1 of 4 stars; one submission).

Conditions:
Hypertrophic cardiomyopathy 26. Also called: Cardiomyopathy, familial hypertrophic, 26. Identifiers: Orphanet 75249, MedGen C4310749, MONDO:0014883, OMIM 617047.
Myofibrillar myopathy 5. Also called: Filaminopathy (type); FILAMINOPATHY, AUTOSOMAL DOMINANT. Identifiers: Orphanet 171445, MedGen C1836050, MONDO:0012289, OMIM 609524.
Distal myopathy with posterior leg and anterior hand involvement. Also called: WILLIAMS DISTAL MYOPATHY. Identifiers: Orphanet 63273, MedGen C3279722, MONDO:0013550, OMIM 614065.

Submission:

Labcorp Genetics (formerly Invitae), Labcorp
Classification: Pathogenic for Distal myopathy with posterior leg and anterior hand involvement; Myofibrillar myopathy 5; Hypertrophic cardiomyopathy 26. Last evaluated: 2023-07-25. Review status: criteria provided, single submitter. Criteria: Invitae Variant Classification Sherloc (09022015). Collection method: clinical testing. Allele origin: germline.
Comment: For these reasons, this variant has been classified as Pathogenic. This sequence change creates a premature translational stop signal (p.Pro2447Leufs*11) in the FLNC gene. It is expected to result in an absent or disrupted protein product. Loss-of-function variants in FLNC are known to be pathogenic (PMID: 27908349). This variant is not present in population databases (gnomAD no frequency). This variant has not been reported in the literature in individuals affected with FLNC-related conditions. ClinVar contains an entry for this variant (Variation ID: 659634).

Literature cited by the submitters: PubMed 27908349.